The following is an entry in ClinVar:

ClinVar aggregate classification (germline): Uncertain significance (1 of 4 stars; one submission).

gnomAD v4.1: 1 of 1,614,044 alleles (0.000062%); highest among the groups gnomAD compares: Non-Finnish European, 0.000085%; no homozygotes.

Submission:

GeneDx
Classification: Uncertain significance. Last evaluated: 2024-10-31. Review status: criteria provided, single submitter. Criteria: GeneDx Variant Classification Process June 2021. Collection method: clinical testing. Allele origin: germline. Affected: yes.
Comment: Not observed at significant frequency in large population cohorts (gnomAD); In silico analysis indicates that this missense variant does not alter protein structure/function; Has not been previously published as pathogenic or benign to our knowledge

NM_016373.4(WWOX):c.1241G>C (p.Gly414Ala)

Genes: MAF (MAF bZIP transcription factor; minus strand), WWOX (WW domain containing oxidoreductase; plus strand). Cytogenetic location: 16q23.2.
Variant type: single nucleotide variant.
Coding change: c.1241G>C on transcript NM_016373.4 (MANE Select); coding-DNA position 1241, G replaced by C.
Protein change: p.Gly414Ala; replaces glycine 414 with alanine.
Molecular consequence: missense variant.
Genome position (GRCh38, 1-based): chr16:79,211,792, G>C. VCF-style: chr16-79211792-G-C. GRCh37 (hg19) VCF-style: chr16-79245689-G-C.
Other names: c.902G>C, p.Gly301Ala (NM_001291997.2); short protein forms G301A, G414A.
Identifiers: ClinVar variation 3897417 (VCV003897417.1).